The following is an entry in ClinVar:

ClinVar aggregate classification (germline): Uncertain significance. Review status: criteria provided, multiple submitters, no conflicts (2 of 4 stars). 2 submissions from 2 submitters: Uncertain significance (2). Last evaluated 2025-12-08.

Conditions:
Inborn genetic diseases. Identifiers: MedGen C0950123, MeSH D030342.
Peters plus syndrome. Also called: KRAUSE-KIVLIN SYNDROME. Identifiers: Orphanet 709, MedGen C0796012, MONDO:0009856, OMIM 261540.

gnomAD v4.1: 27 of 1,613,946 alleles (0.0017%); highest among the groups gnomAD compares: Admixed American, 0.017%; no homozygotes.

Submissions (2):

Ambry Genetics
Classification: Uncertain significance for Inborn genetic diseases. Last evaluated: 2025-12-08. Review status: criteria provided, single submitter. Criteria: Ambry Variant Classification Scheme 2023. Collection method: clinical testing. Allele origin: germline.

Labcorp Genetics (formerly Invitae), Labcorp
Classification: Uncertain significance for Peters plus syndrome. Last evaluated: 2023-12-11. Review status: criteria provided, single submitter. Criteria: Invitae Variant Classification Sherloc (09022015). Collection method: clinical testing. Allele origin: germline.
Comment: This sequence change replaces aspartic acid, which is acidic and polar, with asparagine, which is neutral and polar, at codon 469 of the B3GLCT protein (p.Asp469Asn). This variant is present in population databases (rs141036237, gnomAD 0.02%). This variant has not been reported in the literature in individuals affected with B3GLCT-related conditions. ClinVar contains an entry for this variant (Variation ID: 2059668). Advanced modeling of protein sequence and biophysical properties (such as structural, functional, and spatial information, amino acid conservation, physicochemical variation, residue mobility, and thermodynamic stability) performed at Invitae indicates that this missense variant is not expected to disrupt B3GLCT protein function with a negative predictive value of 80%. In summary, the available evidence is currently insufficient to determine the role of this variant in disease. Therefore, it has been classified as a Variant of Uncertain Significance.

NM_194318.4(B3GLCT):c.1405G>A (p.Asp469Asn)

Gene: B3GLCT (beta 3-glucosyltransferase; plus strand). Cytogenetic location: 13q12.3.
Variant type: single nucleotide variant.
Coding change: c.1405G>A on transcript NM_194318.4 (MANE Select); coding-DNA position 1405, G replaced by A.
Protein change: p.Asp469Asn; replaces aspartic acid 469 with asparagine.
Molecular consequence: missense variant.
Genome position (GRCh38, 1-based): chr13:31,329,576, G>A. VCF-style: chr13-31329576-G-A. GRCh37 (hg19) VCF-style: chr13-31903713-G-A.
Other names: c.1405G>A (NM_194318.3); short protein forms D469N.
Identifiers: ClinVar variation 2059668 (VCV002059668.5), dbSNP rs141036237, ClinGen allele CA6936929.